The following is an entry in ClinVar:

ClinVar aggregate classification (germline): Uncertain significance (1 of 4 stars; one submission).

Conditions:
Combined immunodeficiency with skin granulomas. Identifiers: Orphanet 157949, MedGen C2673536, MONDO:0009306, OMIM 233650.

Submission:

Baylor Genetics
Classification: Uncertain significance for Combined immunodeficiency with skin granulomas. Last evaluated: 2020-05-05. Review status: criteria provided, single submitter. Criteria: ACMG Guidelines, 2015. Collection method: clinical testing. Allele origin: unknown. Affected: yes.
Comment: This variant was determined to be of uncertain significance according to ACMG Guidelines, 2015 [PMID:25741868].

NM_000536.4(RAG2):c.1336T>A (p.Cys446Ser)

Gene: RAG2 (recombination activating 2; minus strand). Cytogenetic location: 11p12.
Variant type: single nucleotide variant.
Coding change: c.1336T>A on transcript NM_000536.4 (MANE Select); coding-DNA position 1336, T replaced by A.
Protein change: p.Cys446Ser; replaces cysteine 446 with serine.
Molecular consequence: missense variant.
Genome position (GRCh38, 1-based): chr11:36,592,833, A>T on the plus strand (T>A on the coding strand, the complement: RAG2 is on the minus strand). VCF-style: chr11-36592833-A-T. GRCh37 (hg19) VCF-style: chr11-36614383-A-T.
Other names: c.1336T>A, p.Cys446Ser (NM_001243785.2, NM_001243786.2); short protein forms C446S.
Identifiers: ClinVar variation 1029903 (VCV001029903.1), dbSNP rs1851050839, ClinGen allele CA380140591.